The following is an entry in ClinVar:

NM_017763.6(RNF43):c.2262C>T (p.Gly754=)

Gene: RNF43 (ring finger protein 43; minus strand). Cytogenetic location: 17q22.
Variant type: single nucleotide variant.
Coding change: c.2262C>T on transcript NM_017763.6 (MANE Select); coding-DNA position 2262, C replaced by T.
Protein change: p.Gly754=; no amino-acid change (glycine 754 retained).
Molecular consequence: synonymous variant.
Genome position (GRCh38, 1-based): chr17:58,357,514, G>A on the plus strand (C>T on the coding strand, the complement: RNF43 is on the minus strand). VCF-style: chr17-58357514-G-A. GRCh37 (hg19) VCF-style: chr17-56434875-G-A.
Other names: c.1881C>T, p.Gly627= (NM_001305545.2); c.2262C>T, p.Gly754= (NM_001305544.3).
Identifiers: ClinVar variation 2415813 (VCV002415813.9), dbSNP rs765229920, ClinGen allele CA8673045.

ClinVar aggregate classification (germline): Conflicting classifications of pathogenicity. Review status: criteria provided, conflicting classifications (1 of 4 stars). 3 submissions from 3 submitters: Uncertain significance (2); Benign (1). Last evaluated 2026-07-02.

Conditions:
Sessile serrated polyposis cancer syndrome (SSPCS). Identifiers: Orphanet 157798, MedGen C4310714, MONDO:0014919, OMIM 617108.

Allele frequency attached by ClinVar (database versions not stated): gnomAD exomes below 0.00001; TOPMed below 0.00001; ExAC 0.00001.

Submissions (3):

Myriad Genetics, Inc.
Classification: Benign for Sessile serrated polyposis cancer syndrome. Last evaluated: 2026-07-02. Review status: criteria provided, single submitter. Criteria: Myriad Autosomal Dominant, Autosomal Recessive and X-Linked Classification Criteria (2023). Collection method: clinical testing. Allele origin: unknown.
Comment: This variant is considered benign. This variant is a silent/synonymous amino acid change and it is not expected to impact splicing.

Fulgent Genetics
Classification: Uncertain significance for Sessile serrated polyposis cancer syndrome. Last evaluated: 2024-05-20. Review status: criteria provided, single submitter. Criteria: ACMG Guidelines, 2015. Collection method: clinical testing. Allele origin: germline.

Labcorp Genetics (formerly Invitae), Labcorp
Classification: Uncertain significance. Last evaluated: 2021-12-29. Review status: criteria provided, single submitter. Criteria: Invitae Variant Classification Sherloc (09022015). Collection method: clinical testing. Allele origin: germline.
Comment: In summary, the available evidence is currently insufficient to determine the role of this variant in disease. Therefore, it has been classified as a Variant of Uncertain Significance. This sequence change affects codon 754 of the RNF43 mRNA. It is a 'silent' change, meaning that it does not change the encoded amino acid sequence of the RNF43 protein. This variant is present in population databases (rs765229920, gnomAD 0.006%). This variant has not been reported in the literature in individuals affected with RNF43-related conditions. Algorithms developed to predict the effect of sequence changes on RNA splicing suggest that this variant may create or strengthen a splice site.